The following is an entry in ClinVar:

ClinVar aggregate classification (germline): Uncertain significance (1 of 4 stars; one submission).

Submission:

Ambry Genetics
Classification: Uncertain significance. Last evaluated: 2022-04-02. Review status: criteria provided, single submitter. Criteria: Ambry Variant Classification Scheme 2023. Collection method: clinical testing. Allele origin: germline.
Comment: The p.L927H variant (also known as c.2780T>A), located in coding exon 15 of the PALLD gene, results from a T to A substitution at nucleotide position 2780. The leucine at codon 927 is replaced by histidine, an amino acid with similar properties. This amino acid position is conserved. In addition, this alteration is predicted to be deleterious by in silico analysis. Since supporting evidence is limited at this time, the clinical significance of this alteration remains unclear.

NM_001166108.2(PALLD):c.2831T>A (p.Leu944His)

Genes: CBR4 (carbonyl reductase 4; minus strand), PALLD (palladin, cytoskeletal associated protein; plus strand). Cytogenetic location: 4q32.3.
Variant type: single nucleotide variant.
Coding change: c.2831T>A on transcript NM_001166108.2 (MANE Select); coding-DNA position 2831, T replaced by A.
Protein change: p.Leu944His; replaces leucine 944 with histidine.
Molecular consequence: missense variant.
Genome position (GRCh38, 1-based): chr4:168,916,008, T>A. VCF-style: chr4-168916008-T-A. GRCh37 (hg19) VCF-style: chr4-169837159-T-A.
Other names: c.1634T>A, p.Leu545His (NM_001166109.2); c.1319T>A, p.Leu440His (NM_001166110.2); c.659T>A, p.Leu220His (NM_001367567.1, NM_001367569.1); c.710T>A, p.Leu237His (NM_001367568.1, NM_001367570.1); c.2780T>A, p.Leu927His (NM_016081.4); short protein forms L440H, L545H, L237H, L927H, L944H, L220H.
Identifiers: ClinVar variation 1795923 (VCV001795923.2), dbSNP rs2534080562, ClinGen allele CA358706945.